The following is an entry in ClinVar:

NM_025000.4(DCAF17):c.252_262del (p.Lys84fs)

Gene: DCAF17 (DDB1 and CUL4 associated factor 17; plus strand). Cytogenetic location: 2q31.1.
Variant type: Deletion.
Coding change: c.252_262del on transcript NM_025000.4 (MANE Select); coding-DNA positions 252 to 262, 11 bases deleted (ACTTTATGAAA).
Protein change: p.Lys84fs; shifts the reading frame from lysine 84.
Molecular consequence: frameshift variant. On other transcripts: non-coding transcript variant (1).
Genome position (GRCh38, 1-based): chr2:171,443,544-171,443,554, ACTTTATGAAA deleted; deleting any 11 consecutive bases within chr2:171,443,540-171,443,554 gives the same sequence; the c. name uses the placement nearest the transcript's 3' end. VCF-style (leftmost placement, unchanged base first): chr2-171443539-AGAAAACTTTAT-A. GRCh37 (hg19) VCF-style: chr2-172300049-AGAAAACTTTAT-A.
Other names: c.252_262del, p.Lys84fs (NM_001164821.2); short protein forms K84fs.
Identifiers: ClinVar variation 4732789 (VCV004732789.1).

ClinVar aggregate classification (germline): Pathogenic (1 of 4 stars; one submission).

Conditions:
Woodhouse-Sakati syndrome. Also called: Hypogonadism, Alopecia, Diabetes Mellitus, Mental Retardation, and Extrapyramidal Syndrome; Hypogonadism, diabetes mellitus, alopecia, mental retardation and electrocardiographic abnormalities; EXTRAPYRAMIDAL DISORDER, PROGRESSIVE, WITH PRIMARY HYPOGONADISM, MENTAL RETARDATION, AND ALOPECIA. Identifiers: Orphanet 3464, MedGen C0342286, MONDO:0009419, OMIM 241080.

Submission:

Labcorp Genetics (formerly Invitae), Labcorp
Classification: Pathogenic for Woodhouse-Sakati syndrome. Last evaluated: 2025-12-09. Review status: criteria provided, single submitter. Criteria: Invitae Variant Classification Sherloc (09022015). Collection method: clinical testing. Allele origin: germline.
Comment: This sequence change creates a premature translational stop signal (p.Lys84Asnfs*31) in the DCAF17 gene. It is expected to result in an absent or disrupted protein product. Loss-of-function variants in DCAF17 are known to be pathogenic (PMID: 19026396, 20507343). This variant is not present in population databases (gnomAD no frequency). This variant has not been reported in the literature in individuals affected with DCAF17-related conditions. For these reasons, this variant has been classified as Pathogenic.

Literature cited by the submitters: PubMed 19026396; PubMed 20507343.